The following is an entry in ClinVar:

NM_015158.5(KANK1):c.1526C>T (p.Pro509Leu)

Gene: KANK1 (KN motif and ankyrin repeat domains 1; plus strand). Cytogenetic location: 9p24.3.
Variant type: single nucleotide variant.
Coding change: c.1526C>T on transcript NM_015158.5 (MANE Select); coding-DNA position 1526, C replaced by T.
Protein change: p.Pro509Leu; replaces proline 509 with leucine.
Molecular consequence: missense variant. On other transcripts: non-coding transcript variant (1).
Genome position (GRCh38, 1-based): chr9:712,292, C>T. VCF-style: chr9-712292-C-T. GRCh37 (hg19) VCF-style: chr9-712292-C-T.
Other names: c.1526C>T, p.Pro509Leu (NM_001256876.3, NM_001256877.3, NM_001354331.2 and 2 more transcripts); c.1052C>T, p.Pro351Leu (NM_001354333.2, NM_001354335.2, NM_001354336.2 and 9 more transcripts); c.1526C>T (NM_015158.2); short protein forms P351L, P509L.
Identifiers: ClinVar variation 2418308 (VCV002418308.7), dbSNP rs1238338164, ClinGen allele CA372748411.

ClinVar aggregate classification (germline): Uncertain significance. Review status: criteria provided, multiple submitters, no conflicts (2 of 4 stars). 2 submissions from 2 submitters: Uncertain significance (2). Last evaluated 2025-06-19.

Allele frequency attached by ClinVar (database versions not stated): gnomAD 0.00003; TOPMed 0.00003.
gnomAD v4.1: 14 of 1,614,080 alleles (0.00087%); highest among the groups gnomAD compares: Admixed American, 0.0033%; no homozygotes.

Submissions (2):

Ambry Genetics
Classification: Uncertain significance. Last evaluated: 2025-06-19. Review status: criteria provided, single submitter. Criteria: Ambry Variant Classification Scheme 2023. Collection method: clinical testing. Allele origin: germline.

Labcorp Genetics (formerly Invitae), Labcorp
Classification: Uncertain significance. Last evaluated: 2024-05-01. Review status: criteria provided, single submitter. Criteria: Invitae Variant Classification Sherloc (09022015). Collection method: clinical testing. Allele origin: germline.
Comment: This sequence change replaces proline, which is neutral and non-polar, with leucine, which is neutral and non-polar, at codon 509 of the KANK1 protein (p.Pro509Leu). This variant is not present in population databases (gnomAD no frequency). This variant has not been reported in the literature in individuals affected with KANK1-related conditions. ClinVar contains an entry for this variant (Variation ID: 2418308). Advanced modeling of protein sequence and biophysical properties (such as structural, functional, and spatial information, amino acid conservation, physicochemical variation, residue mobility, and thermodynamic stability) performed at Invitae indicates that this missense variant is expected to disrupt KANK1 protein function with a positive predictive value of 80%. In summary, the available evidence is currently insufficient to determine the role of this variant in disease. Therefore, it has been classified as a Variant of Uncertain Significance.